The following is an entry in ClinVar:

NM_020366.4(RPGRIP1):c.2527A>G (p.Asn843Asp)

Gene: RPGRIP1 (RPGR interacting protein 1; plus strand). Cytogenetic location: 14q11.2.
Variant type: single nucleotide variant.
Coding change: c.2527A>G on transcript NM_020366.4 (MANE Select); coding-DNA position 2527, A replaced by G.
Protein change: p.Asn843Asp; replaces asparagine 843 with aspartic acid.
Molecular consequence: missense variant. On other transcripts: intron variant (4).
Genome position (GRCh38, 1-based): chr14:21,325,990, A>G. VCF-style: chr14-21325990-A-G. GRCh37 (hg19) VCF-style: chr14-21794149-A-G.
Other names: c.1453A>G, p.Asn485Asp (NM_001377948.1); c.796+1265A>G (NM_001377949.1); c.689-1633A>G (NM_001377523.1, NM_001377950.1); c.191-1633A>G (NM_001377951.1); short protein forms N843D, N485D.
Identifiers: ClinVar variation 1046149 (VCV001046149.9), dbSNP rs762420632, ClinGen allele CA7089290.
Genomic context (GRCh38, chr14:21,325,990, plus strand): 5'-TATGCTGTGTACCGCTTCTTCACCTTTTCTGACCATGACACTGCCATCATTCCAGCCAGT[A>G]ACAACCCCTACTTTAGAGACCAGGCTCGATTCCCAGTGCTTGTGACCTCTGACCTGGACC-3'
Protein context (NP_065099.3, residues 833-853): DHDTAIIPAS[Asn843Asp]NPYFRDQARF

ClinVar aggregate classification (germline): Uncertain significance. Review status: criteria provided, multiple submitters, no conflicts (2 of 4 stars). 2 submissions from 2 submitters: Uncertain significance (2). Last evaluated 2024-10-21.

Conditions:
Cone-rod dystrophy 13 (CORD13). Identifiers: Orphanet 1872, MedGen C2750720, MONDO:0011987, OMIM 608194.
Leber congenital amaurosis 6 (LCA6). Identifiers: Orphanet 65, MedGen C1854260, MONDO:0013446, OMIM 613826.

Allele frequency attached by ClinVar (database versions not stated): gnomAD 0.00001; gnomAD exomes 0.00001 and 0.00004; ExAC 0.00002; TOPMed 0.00003.
gnomAD v4.1: 9 of 1,613,882 alleles (0.00056%); highest among the groups gnomAD compares: Admixed American, 0.01%; no homozygotes.

Submissions (2):

Labcorp Genetics (formerly Invitae), Labcorp
Classification: Uncertain significance for Leber congenital amaurosis 6; Cone-rod dystrophy 13. Last evaluated: 2024-10-21. Review status: criteria provided, single submitter. Criteria: Invitae Variant Classification Sherloc (09022015). Collection method: clinical testing. Allele origin: germline.
Comment: This sequence change replaces asparagine, which is neutral and polar, with aspartic acid, which is acidic and polar, at codon 843 of the RPGRIP1 protein (p.Asn843Asp). This variant is present in population databases (rs762420632, gnomAD 0.03%). This variant has not been reported in the literature in individuals affected with RPGRIP1-related conditions. ClinVar contains an entry for this variant (Variation ID: 1046149). Invitae Evidence Modeling of protein sequence and biophysical properties (such as structural, functional, and spatial information, amino acid conservation, physicochemical variation, residue mobility, and thermodynamic stability) indicates that this missense variant is not expected to disrupt RPGRIP1 protein function with a negative predictive value of 80%. In summary, the available evidence is currently insufficient to determine the role of this variant in disease. Therefore, it has been classified as a Variant of Uncertain Significance.

Blueprint Genetics
Classification: Uncertain significance. Last evaluated: 2022-06-13. Review status: criteria provided, single submitter. Criteria: ACMG Guidelines, 2015. Collection method: clinical testing. Allele origin: germline.